The following is an entry in ClinVar:

NM_177438.3(DICER1):c.3611A>T (p.Tyr1204Phe)

Gene: DICER1 (dicer 1, ribonuclease III; minus strand). Cytogenetic location: 14q32.13.
Variant type: single nucleotide variant.
Coding change: c.3611A>T on transcript NM_177438.3 (MANE Select); coding-DNA position 3611, A replaced by T.
Protein change: p.Tyr1204Phe; replaces tyrosine 1204 with phenylalanine.
Molecular consequence: missense variant.
Genome position (GRCh38, 1-based): chr14:95,103,785, T>A on the plus strand (A>T on the coding strand, the complement: DICER1 is on the minus strand). VCF-style: chr14-95103785-T-A. GRCh37 (hg19) VCF-style: chr14-95570122-T-A.
Other names: c.3611A>T, p.Tyr1204Phe (NM_001195573.1, NM_001271282.3, NM_001291628.2 and 1 more transcripts); short protein forms Y1204F.
Identifiers: ClinVar variation 970095 (VCV000970095.14), dbSNP rs1891134568, ClinGen allele CA390874692.

ClinVar aggregate classification (germline): Uncertain significance. Review status: criteria provided, multiple submitters, no conflicts (2 of 4 stars). 2 submissions from 2 submitters: Uncertain significance (2). Last evaluated 2025-03-16.

Conditions:
DICER1-related tumor predisposition. Also called: DICER1-related pleuropulmonary blastoma cancer predisposition syndrome; DICER1 syndrome. Identifiers: Orphanet 284343, MedGen C3839822, MONDO:0100216.
Hereditary cancer-predisposing syndrome. Also called: Hereditary neoplastic syndrome; Hereditary Cancer Syndrome; Tumor predisposition; Neoplastic Syndromes, Hereditary. Identifiers: Orphanet 140162, MedGen C0027672, MeSH D009386, MONDO:0015356.

Allele frequency attached by ClinVar (database versions not stated): gnomAD exomes below 0.00001.
gnomAD v4.1: 3 of 1,614,222 alleles (0.00019%); highest among the groups gnomAD compares: Non-Finnish European, 0.00025%; no homozygotes.

Submissions (2):

Labcorp Genetics (formerly Invitae), Labcorp
Classification: Uncertain significance for DICER1-related tumor predisposition. Last evaluated: 2025-03-16. Review status: criteria provided, single submitter. Criteria: Invitae Variant Classification Sherloc (09022015). Collection method: clinical testing. Allele origin: germline.
Comment: This sequence change replaces tyrosine, which is neutral and polar, with phenylalanine, which is neutral and non-polar, at codon 1204 of the DICER1 protein (p.Tyr1204Phe). This variant is not present in population databases (gnomAD no frequency). This variant has not been reported in the literature in individuals affected with DICER1-related conditions. ClinVar contains an entry for this variant (Variation ID: 970095). Invitae Evidence Modeling of protein sequence and biophysical properties (such as structural, functional, and spatial information, amino acid conservation, physicochemical variation, residue mobility, and thermodynamic stability) indicates that this missense variant is not expected to disrupt DICER1 protein function with a negative predictive value of 95%. In summary, the available evidence is currently insufficient to determine the role of this variant in disease. Therefore, it has been classified as a Variant of Uncertain Significance.

Ambry Genetics
Classification: Uncertain significance for Hereditary cancer-predisposing syndrome. Last evaluated: 2024-11-21. Review status: criteria provided, single submitter. Criteria: Ambry Variant Classification Scheme 2023. Collection method: clinical testing. Allele origin: germline.
Comment: The p.Y1204F variant (also known as c.3611A>T), located in coding exon 20 of the DICER1 gene, results from an A to T substitution at nucleotide position 3611. The tyrosine at codon 1204 is replaced by phenylalanine, an amino acid with highly similar properties. This amino acid position is not well conserved in available vertebrate species. In addition, this alteration is predicted to be tolerated by in silico analysis. Based on the available evidence, the clinical significance of this variant remains unclear.